The following is an entry in ClinVar:

NM_178138.6(LHX3):c.251+10G>A

Gene: LHX3 (LIM homeobox 3; minus strand). Cytogenetic location: 9q34.3.
Variant type: single nucleotide variant.
Coding change: c.251+10G>A on transcript NM_178138.6 (MANE Select); 10 bases into the intron after coding-DNA position 251, G replaced by A.
Molecular consequence: intron variant.
Genome position (GRCh38, 1-based): chr9:136,200,572, C>T on the plus strand (G>A on the coding strand, the complement: LHX3 is on the minus strand). VCF-style: chr9-136200572-C-T. GRCh37 (hg19) VCF-style: chr9-139092418-C-T.
Other names: c.266+10G>A (NM_014564.5); c.218+10G>A (NM_001363746.1).
Identifiers: ClinVar variation 678973 (VCV000678973.13), dbSNP rs201482417, ClinGen allele CA5330574.

ClinVar aggregate classification (germline): Likely benign. Review status: criteria provided, multiple submitters, no conflicts (2 of 4 stars). 3 submissions from 3 submitters: Likely benign (3). Last evaluated 2026-01-28.

Allele frequency attached by ClinVar (database versions not stated): gnomAD 0.00002 and 0.00005; gnomAD exomes 0.00002 and 0.00013; TOPMed 0.00007; ExAC 0.00008; 1000 Genomes Project 30x 0.00047; 1000 Genomes Project 0.00060.
gnomAD v4.1: 43 of 1,612,906 alleles (0.0027%); highest among the groups gnomAD compares: East Asian, 0.08%; no homozygotes.

Submissions (3):

Labcorp Genetics (formerly Invitae), Labcorp
Classification: Likely benign. Last evaluated: 2026-01-28. Review status: criteria provided, single submitter. Criteria: Invitae Variant Classification Sherloc (09022015). Collection method: clinical testing. Allele origin: germline.

Blueprint Genetics
Classification: Likely benign. Last evaluated: 2021-11-10. Review status: criteria provided, single submitter. Criteria: ACMG Guidelines, 2015. Collection method: clinical testing. Allele origin: germline.

GeneDx
Classification: Likely benign. Last evaluated: 2018-02-27. Review status: criteria provided, single submitter. Criteria: GeneDx Variant Classification (06012015). Collection method: clinical testing. Allele origin: germline. Affected: yes.
Comment: This variant is considered likely benign or benign based on one or more of the following criteria: it is a conservative change, it occurs at a poorly conserved position in the protein, it is predicted to be benign by multiple in silico algorithms, and/or has population frequency not consistent with disease.